The following is an entry in ClinVar:

NM_153460.4(IL17RC):c.1622C>T (p.Pro541Leu)

Gene: IL17RC (interleukin 17 receptor C; plus strand). Cytogenetic location: 3p25.3.
Variant type: single nucleotide variant.
Coding change: c.1622C>T on transcript NM_153460.4 (MANE Select); coding-DNA position 1622, C replaced by T.
Protein change: p.Pro541Leu; replaces proline 541 with leucine.
Molecular consequence: missense variant. On other transcripts: non-coding transcript variant (1).
Genome position (GRCh38, 1-based): chr3:9,933,052, C>T. VCF-style: chr3-9933052-C-T. GRCh37 (hg19) VCF-style: chr3-9974736-C-T.
Other names: c.1583C>T, p.Pro528Leu (NM_001203263.2); c.1532C>T, p.Pro511Leu (NM_001203264.2); c.1526C>T, p.Pro509Leu (NM_001203265.2); c.1544C>T, p.Pro515Leu (NM_001367278.1); c.1463C>T, p.Pro488Leu (NM_001367279.1); c.1538C>T, p.Pro513Leu (NM_001367280.1); c.1577C>T, p.Pro526Leu (NM_032732.6); c.1835C>T, p.Pro612Leu (NM_153461.4); short protein forms P488L, P509L, P511L, P513L, P515L, P526L, P528L, P541L.
Identifiers: ClinVar variation 1022495 (VCV001022495.5), dbSNP rs1382486456, ClinGen allele CA351704976.

ClinVar aggregate classification (germline): Uncertain significance (1 of 4 stars; one submission).

Conditions:
Candidiasis, familial, 9 (CANDF9). Identifiers: Orphanet 1334, MedGen C4225324, MONDO:0014642, OMIM 616445.

gnomAD v4.1: 1 of 1,547,266 alleles (0.000065%); highest among the groups gnomAD compares: Admixed American, 0.002%; no homozygotes.

Submission:

Labcorp Genetics (formerly Invitae), Labcorp
Classification: Uncertain significance for Candidiasis, familial, 9. Last evaluated: 2025-12-16. Review status: criteria provided, single submitter. Criteria: Invitae Variant Classification Sherloc (09022015). Collection method: clinical testing. Allele origin: germline.
Comment: This sequence change replaces proline, which is neutral and non-polar, with leucine, which is neutral and non-polar, at codon 612 of the IL17RC protein (p.Pro612Leu). The frequency data for this variant in the population databases is considered unreliable, as metrics indicate poor data quality at this position in the gnomAD database. This variant has not been reported in the literature in individuals affected with IL17RC-related conditions. ClinVar contains an entry for this variant (Variation ID: 1022495). An algorithm developed to predict the effect of missense changes on protein structure and function (PolyPhen-2) suggests that this variant is likely to be disruptive. In summary, the available evidence is currently insufficient to determine the role of this variant in disease. Therefore, it has been classified as a Variant of Uncertain Significance.